The following is an entry in ClinVar:

ClinVar aggregate classification (germline): Uncertain significance (1 of 4 stars; one submission).

Conditions:
Long QT syndrome (LQTS). Identifiers: MedGen C0023976, MeSH D008133, MONDO:0002442. Disease mechanism: loss of function. Inheritance: Various modes of inheritance.

Submission:

Labcorp Genetics (formerly Invitae), Labcorp
Classification: Uncertain significance for Long QT syndrome. Last evaluated: 2023-05-05. Review status: criteria provided, single submitter. Criteria: Invitae Variant Classification Sherloc (09022015). Collection method: clinical testing. Allele origin: germline.
Comment: Advanced modeling of protein sequence and biophysical properties (such as structural, functional, and spatial information, amino acid conservation, physicochemical variation, residue mobility, and thermodynamic stability) performed at Invitae indicates that this missense variant is not expected to disrupt CACNA1C protein function. This variant has not been reported in the literature in individuals affected with CACNA1C-related conditions. This variant is not present in population databases (gnomAD no frequency). This sequence change replaces tryptophan, which is neutral and slightly polar, with arginine, which is basic and polar, at codon 1964 of the CACNA1C protein (p.Trp1964Arg). In summary, the available evidence is currently insufficient to determine the role of this variant in disease. Therefore, it has been classified as a Variant of Uncertain Significance.

NM_000719.7(CACNA1C):c.5890T>A (p.Trp1964Arg)

Genes: CACNA1C (calcium voltage-gated channel subunit alpha1 C; plus strand), CACNA1C-AS1 (CACNA1C antisense RNA 1; minus strand). Cytogenetic location: 12p13.33.
Variant type: single nucleotide variant.
Coding change: c.5890T>A on transcript NM_000719.7 (MANE Select); coding-DNA position 5890, T replaced by A.
Protein change: p.Trp1964Arg; replaces tryptophan 1964 with arginine.
Molecular consequence: missense variant.
Genome position (GRCh38, 1-based): chr12:2,688,552, T>A. VCF-style: chr12-2688552-T-A. GRCh37 (hg19) VCF-style: chr12-2797718-T-A.
Other names: c.6034T>A, p.Trp2012Arg (NM_001129827.2); c.6013T>A, p.Trp2005Arg (NM_001129829.2); c.5995T>A, p.Trp1999Arg (NM_001129830.3, NM_001167624.3); c.5974T>A, p.Trp1992Arg (NM_001129831.2); c.5950T>A, p.Trp1984Arg (NM_001129832.2); c.5947T>A, p.Trp1983Arg (NM_001129833.2, NM_001129834.2, NM_001129835.2); c.5941T>A, p.Trp1981Arg (NM_001129836.2); c.5914T>A, p.Trp1972Arg (NM_001129837.2, NM_001129838.2); and 6 more; short protein forms W1972R, W2005R, W2024R, W2012R, W2047R, W1961R, W1970R, W1981R.
Identifiers: ClinVar variation 2846198 (VCV002846198.3), dbSNP rs2097647539, ClinGen allele CA383384342.